The following is an entry in ClinVar:

NM_000059.4(BRCA2):c.7415A>G (p.Lys2472Arg)

Gene: BRCA2 (BRCA2 DNA repair associated; plus strand). Cytogenetic location: 13q13.1.
Variant type: single nucleotide variant.
Coding change: c.7415A>G on transcript NM_000059.4 (MANE Select); coding-DNA position 7415, A replaced by G.
Protein change: p.Lys2472Arg; replaces lysine 2472 with arginine.
Molecular consequence: missense variant.
Genome position (GRCh38, 1-based): chr13:32,355,268, A>G. VCF-style: chr13-32355268-A-G. GRCh37 (hg19) VCF-style: chr13-32929405-A-G.
Other names: short protein forms K2472R.
Identifiers: ClinVar variation 1329032 (VCV001329032.1), dbSNP rs80358963, ClinGen allele CA387741938.

ClinVar aggregate classification (germline): Uncertain significance (1 of 4 stars; one submission).

Submission:

Women's Health and Genetics/Laboratory Corporation of America, LabCorp
Classification: Uncertain significance. Last evaluated: 2021-11-20. Review status: criteria provided, single submitter. Criteria: LabCorp Variant Classification Summary - May 2015. Collection method: clinical testing. Allele origin: germline.
Comment: Variant summary: BRCA2 c.7415A>G (p.Lys2472Arg) results in a conservative amino acid change in the encoded protein sequence. Four of five in-silico tools predict a benign effect of the variant on protein function. The variant was absent in 250976 control chromosomes. The available data on variant occurrences in the general population are insufficient to allow any conclusion about variant significance. c.7415A>G has been reported in the literature as a VUS in at-least one individual affected with Breast and/or Ovarian Cancer Syndrome (example, El Saghir_2015). These report(s) do not provide unequivocal conclusions about association of the variant with Hereditary Breast And Ovarian Cancer Syndrome. To our knowledge, no experimental evidence demonstrating an impact on protein function has been reported. No clinical diagnostic laboratories have submitted clinical-significance assessments for this variant to ClinVar after 2014. Based on the evidence outlined above, the variant was classified as uncertain significance.

Literature cited by the submitters: PubMed 25777348.